The following is an entry in ClinVar:

NM_007194.4(CHEK2):c.779del (p.Gly259_Ser260insTer)

Gene: CHEK2 (checkpoint kinase 2; minus strand). Cytogenetic location: 22q12.1.
Variant type: Deletion.
Coding change: c.779del on transcript NM_007194.4 (MANE Select); coding-DNA position 779, one base deleted (C; older notation c.779delC).
Protein change: p.Gly259_Ser260insTer.
Molecular consequence: nonsense. On other transcripts: frameshift variant (4).
Genome position (GRCh38, 1-based): chr22:28,711,922, G deleted on the plus strand (C on the coding strand, the reverse complement: CHEK2 is on the minus strand). VCF-style (leftmost placement, unchanged base first): chr22-28711921-TG-T. GRCh37 (hg19) VCF-style: chr22-29107909-TG-T.
Other names: c.908delC, p.Ser303Terfs (NM_001005735.3); c.116delC, p.Ser39Terfs (NM_001257387.3); c.578delC, p.Ser193Terfs (NM_001349956.3); c.779delC, p.Ser260Terfs (NM_145862.3).
Identifiers: ClinVar variation 1445707 (VCV001445707.7), dbSNP rs2145949157, ClinGen allele CA2573157975.

ClinVar aggregate classification (germline): Pathogenic (1 of 4 stars; one submission).

Conditions:
Familial cancer of breast. Also called: hereditary breast carcinoma; Hereditary breast cancer; BREAST CANCER, FAMILIAL. Identifiers: Orphanet 227535, MedGen C0346153, MONDO:0016419, OMIM 114480. Disease mechanism: loss of function.

Submission:

Labcorp Genetics (formerly Invitae), Labcorp
Classification: Pathogenic for Familial cancer of breast. Last evaluated: 2021-11-10. Review status: criteria provided, single submitter. Criteria: Invitae Variant Classification Sherloc (09022015). Collection method: clinical testing. Allele origin: germline.
Comment: This sequence change creates a premature translational stop signal (p.Ser260*) in the CHEK2 gene. It is expected to result in an absent or disrupted protein product. Loss-of-function variants in CHEK2 are known to be pathogenic (PMID: 21876083, 24713400). This variant is not present in population databases (gnomAD no frequency). This variant has not been reported in the literature in individuals affected with CHEK2-related conditions. For these reasons, this variant has been classified as Pathogenic.

Literature cited by the submitters: PubMed 21876083; PubMed 24713400.